The following is an entry in ClinVar:

NM_001987.5(ETV6):c.826C>T (p.Pro276Ser)

Gene: ETV6 (ETS variant transcription factor 6; plus strand). Cytogenetic location: 12p13.2.
Variant type: single nucleotide variant.
Coding change: c.826C>T on transcript NM_001987.5 (MANE Select); coding-DNA position 826, C replaced by T.
Protein change: p.Pro276Ser; replaces proline 276 with serine.
Molecular consequence: missense variant.
Genome position (GRCh38, 1-based): chr12:11,869,786, C>T. VCF-style: chr12-11869786-C-T. GRCh37 (hg19) VCF-style: chr12-12022720-C-T.
Other names: c.823C>T, p.Pro275Ser (NM_001413913.1); c.799C>T, p.Pro267Ser (NM_001413914.1); c.562C>T, p.Pro188Ser (NM_001413915.1); c.826C>T, p.Pro276Ser (NM_001413916.1, NM_001413917.1); short protein forms P188S, P267S, P275S, P276S.
Identifiers: ClinVar variation 5008898 (VCV005008898.1).

ClinVar aggregate classification (germline): Uncertain significance (1 of 4 stars; one submission).

Submission:

GeneDx
Classification: Uncertain significance. Last evaluated: 2026-03-12. Review status: criteria provided, single submitter. Criteria: GeneDx Variant Classification Process June 2021. Collection method: clinical testing. Allele origin: germline.
Comment: Not observed at significant frequency in large population cohorts (gnomAD); In silico analysis supports that this missense variant has a deleterious effect on protein structure/function; Has not been previously published as pathogenic or benign to our knowledge; This variant is associated with the following publications: (PMID: 28555414, 28637624)